The following is an entry in ClinVar:

NM_007294.4(BRCA1):c.5153-8C>A

Gene: BRCA1 (BRCA1 DNA repair associated; minus strand). Cytogenetic location: 17q21.31.
Variant type: single nucleotide variant.
Coding change: c.5153-8C>A on transcript NM_007294.4 (MANE Select); 8 bases into the intron before coding-DNA position 5153, C replaced by A.
Molecular consequence: intron variant.
Genome position (GRCh38, 1-based): chr17:43,063,381, G>T on the plus strand (C>A on the coding strand, the complement: BRCA1 is on the minus strand). VCF-style: chr17-43063381-G-T. GRCh37 (hg19) VCF-style: chr17-41215398-G-T.
Other names: c.1628-8C>A (NM_001408492.1, NM_001408493.1); c.1697-8C>A (NM_001408468.1, NM_001408470.1, NM_001408469.1); c.5006-8C>A (NM_001407842.1, NM_001407846.1, NM_001407850.1 and 12 more transcripts); c.5009-8C>A (NM_001407749.1, NM_001407943.1, NM_001407748.1 and 21 more transcripts); c.1580-8C>A (NM_001408501.1, NM_001408500.1, NM_001408497.1 and 3 more transcripts); c.1703-8C>A (NM_001408455.1, NM_001408452.1, NM_001408457.1 and 3 more transcripts); c.5012-8C>A (NM_001407731.1, NM_001407695.1, NM_001407726.1 and 13 more transcripts); c.4943-8C>A (NM_001407889.1, NM_001407884.1, NM_001407879.1 and 5 more transcripts); and 72 more.
Identifiers: ClinVar variation 415573 (VCV000415573.27), dbSNP rs1060504570, ClinGen allele CA16615652.

ClinVar aggregate classification (germline): Conflicting classifications of pathogenicity. Review status: criteria provided, conflicting classifications (1 of 4 stars). 3 submissions from 3 submitters: Uncertain significance (1); Likely benign (2). Last evaluated 2025-09-15.

Conditions:
Hereditary cancer-predisposing syndrome. Also called: Neoplastic Syndromes, Hereditary; Hereditary neoplastic syndrome; Hereditary Cancer Syndrome; Tumor predisposition. Identifiers: Orphanet 140162, MedGen C0027672, MeSH D009386, MONDO:0015356.
Hereditary breast ovarian cancer syndrome. Also called: Hereditary breast and ovarian cancer syndrome; Breast and ovarian cancer; Hereditary breast and ovarian cancer syndrome (HBOC); Hereditary breast and/or ovarian cancer syndrome; BRCA1- and BRCA2-Associated Hereditary Breast and Ovarian Cancer; Hereditary breast and ovarian cancer. Identifiers: Orphanet 145, MedGen C0677776, MeSH D061325, MONDO:0003582. Disease mechanism: loss of function.

Allele frequency attached by ClinVar (database versions not stated): gnomAD exomes below 0.00001.
gnomAD v4.1: 2 of 1,610,086 alleles (0.00012%); highest among the groups gnomAD compares: Non-Finnish European, 0.000085%; no homozygotes.

Submissions (4):

Labcorp Genetics (formerly Invitae), Labcorp
Classification: Likely benign for Hereditary breast ovarian cancer syndrome. Last evaluated: 2025-09-15. Review status: criteria provided, single submitter. Criteria: Invitae Variant Classification Sherloc (09022015). Collection method: clinical testing. Allele origin: germline.

Women's Health and Genetics/Laboratory Corporation of America, LabCorp
Classification: Likely benign. Last evaluated: 2023-02-27. Review status: criteria provided, single submitter. Criteria: LabCorp Variant Classification Summary - May 2015. Collection method: clinical testing. Allele origin: germline.
Comment: Variant summary: BRCA1 c.5153-8C>A alters a conserved nucleotide located close to a canonical splice site and therefore could affect mRNA splicing, leading to a significantly altered protein sequence. Several computational tools predict a significant impact on normal splicing: Two predict the variant weakens a 3' acceptor site. However, these predictions have yet to be confirmed by functional studies. The variant was absent in 250770 control chromosomes. The available data on variant occurrences in the general population are insufficient to allow any conclusion about variant significance. To our knowledge, no occurrence of c.5153-8C>A in individuals affected with Hereditary Breast And Ovarian Cancer Syndrome has been reported. At least one functional study reports experimental evidence evaluating an impact on protein function and showed no damaging effect of this variant on homology directed repair (HDR) activity (Findlay_2018). HDR assays qualify as a recognized gold standard on the basis of updated guidance provided by the ClinGen Sequence Variant Interpretation (SVI) working group. Two submitters have provided clinical-significance assessments for this variant to ClinVar after 2014 without evidence for independent evaluation. One laboratory classified the variant as likely benign, and one classified the variant as uncertain significance. Based on the evidence outlined above, the variant was classified as likely benign.

Color Diagnostics, LLC DBA Color Health
Classification: Uncertain significance for Hereditary cancer-predisposing syndrome. Last evaluated: 2019-04-06. Review status: criteria provided, single submitter. Criteria: ACMG Guidelines, 2015. Collection method: clinical testing. Allele origin: germline.

Brotman Baty Institute, University of Washington
No classification provided (evidence only). Condition: Breast-ovarian cancer, familial 1. Review status: no classification provided. Collection method: in vitro. Allele origin: not applicable. Functional consequence: functionally_normal. Not counted in ClinVar's aggregate classification.
ClinVar note: "not provided" was previously submitted as the classification for the variant. However, the classification appeared to be based only on an observation of functional data so it was converted to no classification on 2025-07-30.

Literature cited by the submitters: PubMed 30209399 (cited by Women's Health and Genetics/Laboratory Corporation of America, LabCorp).